The following is an entry in ClinVar:

ClinVar aggregate classification (germline): Likely benign (0 of 4 stars; one submission).

Conditions:
SEMA3G-related disorder. Also called: SEMA3G-related condition.

Allele frequency attached by ClinVar (database versions not stated): ESP Exome Variant Server 0.00008; ExAC 0.00017; 1000 Genomes Project 0.00040; 1000 Genomes Project 30x 0.00047.
gnomAD v4.1: 169 of 1,613,468 alleles (0.01%); highest among the groups gnomAD compares: Admixed American, 0.027%; no homozygotes.

Submission:

PreventionGenetics, part of Exact Sciences
Classification: Likely benign for SEMA3G-related condition. Last evaluated: 2022-02-24. Review status: no assertion criteria provided. Collection method: clinical testing. Allele origin: germline.
Comment: This variant is classified as likely benign based on ACMG/AMP sequence variant interpretation guidelines (Richards et al. 2015 PMID: 25741868, with internal and published modifications).

NM_020163.3(SEMA3G):c.358G>A (p.Val120Met)

Gene: SEMA3G (semaphorin 3G; minus strand). Cytogenetic location: 3p21.1.
Variant type: single nucleotide variant.
Coding change: c.358G>A on transcript NM_020163.3 (MANE Select); coding-DNA position 358, G replaced by A.
Protein change: p.Val120Met; replaces valine 120 with methionine.
Molecular consequence: missense variant.
Genome position (GRCh38, 1-based): chr3:52,442,286, C>T on the plus strand (G>A on the coding strand, the complement: SEMA3G is on the minus strand). VCF-style: chr3-52442286-C-T. GRCh37 (hg19) VCF-style: chr3-52476302-C-T.
Other names: short protein forms V120M.
Identifiers: ClinVar variation 3036302 (VCV003036302.2), dbSNP rs200952645, ClinGen allele CA2438360.